The following is an entry in ClinVar:

ClinVar aggregate classification (germline): Uncertain significance. Review status: criteria provided, multiple submitters, no conflicts (2 of 4 stars). 3 submissions from 3 submitters: Uncertain significance (3). Last evaluated 2025-05-02.

Conditions:
Familial cancer of breast. Also called: BREAST CANCER, FAMILIAL; Hereditary breast cancer; hereditary breast carcinoma. Identifiers: Orphanet 227535, MedGen C0346153, MONDO:0016419, OMIM 114480. Disease mechanism: loss of function.
Hereditary cancer-predisposing syndrome. Also called: Hereditary neoplastic syndrome; Neoplastic Syndromes, Hereditary; Hereditary Cancer Syndrome; Tumor predisposition. Identifiers: Orphanet 140162, MedGen C0027672, MeSH D009386, MONDO:0015356.

Allele frequency attached by ClinVar (database versions not stated): gnomAD exomes below 0.00001.
gnomAD v4.1: 2 of 1,459,504 alleles (0.00014%); highest among the groups gnomAD compares: Non-Finnish European, 0.00019%; no homozygotes.

Submissions (3):

Dasa
Classification: Uncertain significance. Last evaluated: 2025-05-02. Review status: criteria provided, single submitter. Criteria: DASA Assertion Criteria. Collection method: clinical testing. Allele origin: germline.
Comment: NM_007194.4(CHEK2):c.902T>C (p.Leu301Ser) is a missense variant that results in the substitution of leucine with serine. This variant is rare in population databases. The currently available literature and clinical evidence are not sufficient to establish a definitive association between this variant and the reported condition. Therefore, this variant is classified as a variant of uncertain significance.

Ambry Genetics
Classification: Uncertain significance for Hereditary cancer-predisposing syndrome. Last evaluated: 2025-03-06. Review status: criteria provided, single submitter. Criteria: Ambry Variant Classification Scheme 2023. Collection method: clinical testing. Allele origin: germline.
Comment: The p.L301S variant (also known as c.902T>C), located in coding exon 7 of the CHEK2 gene, results from a T to C substitution at nucleotide position 902. The leucine at codon 301 is replaced by serine, an amino acid with dissimilar properties. This amino acid position is highly conserved in available vertebrate species. In addition, this alteration is predicted to be deleterious by in silico analysis. Based on the available evidence, the clinical significance of this variant remains unclear.

Labcorp Genetics (formerly Invitae), Labcorp
Classification: Uncertain significance for Familial cancer of breast. Last evaluated: 2024-03-15. Review status: criteria provided, single submitter. Criteria: Invitae Variant Classification Sherloc (09022015). Collection method: clinical testing. Allele origin: germline.
Comment: This sequence change replaces leucine, which is neutral and non-polar, with serine, which is neutral and polar, at codon 301 of the CHEK2 protein (p.Leu301Ser). This variant is not present in population databases (gnomAD no frequency). This variant has not been reported in the literature in individuals affected with CHEK2-related conditions. ClinVar contains an entry for this variant (Variation ID: 937131). An algorithm developed to predict the effect of missense changes on protein structure and function (PolyPhen-2) suggests that this variant is likely to be disruptive. In summary, the available evidence is currently insufficient to determine the role of this variant in disease. Therefore, it has been classified as a Variant of Uncertain Significance.

NM_007194.4(CHEK2):c.902T>C (p.Leu301Ser)

Gene: CHEK2 (checkpoint kinase 2; minus strand). Cytogenetic location: 22q12.1.
Variant type: single nucleotide variant.
Coding change: c.902T>C on transcript NM_007194.4 (MANE Select); coding-DNA position 902, T replaced by C.
Protein change: p.Leu301Ser; replaces leucine 301 with serine.
Molecular consequence: missense variant.
Genome position (GRCh38, 1-based): chr22:28,703,511, A>G on the plus strand (T>C on the coding strand, the complement: CHEK2 is on the minus strand). VCF-style: chr22-28703511-A-G. GRCh37 (hg19) VCF-style: chr22-29099499-A-G.
Other names: c.1031T>C, p.Leu344Ser (NM_001005735.3); c.239T>C, p.Leu80Ser (NM_001257387.3); c.701T>C, p.Leu234Ser (NM_001349956.3); c.902T>C, p.Leu301Ser (NM_145862.3); short protein forms L234S, L301S, L344S, L80S.
Identifiers: ClinVar variation 937131 (VCV000937131.13), dbSNP rs886039739, ClinGen allele CA411100941.